The following is an entry in ClinVar:

NM_024675.4(PALB2):c.1470C>T (p.Pro490=)

Gene: PALB2 (partner and localizer of BRCA2; minus strand). Cytogenetic location: 16p12.2.
Variant type: single nucleotide variant.
Coding change: c.1470C>T on transcript NM_024675.4 (MANE Select); coding-DNA position 1470, C replaced by T.
Protein change: p.Pro490=; no amino-acid change (proline 490 retained).
Molecular consequence: synonymous variant.
Genome position (GRCh38, 1-based): chr16:23,635,076, G>A on the plus strand (C>T on the coding strand, the complement: PALB2 is on the minus strand). VCF-style: chr16-23635076-G-A. GRCh37 (hg19) VCF-style: chr16-23646397-G-A.
Other names: p.P490P:CCC>CCT.
Identifiers: ClinVar variation 126604 (VCV000126604.80), dbSNP rs45612837, ClinGen allele CA292665.

ClinVar aggregate classification (germline): Benign/Likely benign. Review status: criteria provided, multiple submitters, no conflicts (2 of 4 stars). 28 submissions from 28 submitters: Benign (6); Likely benign (14). 8 of the submissions do not count toward it. Last evaluated 2026-01-19.

Conditions:
Breast-ovarian cancer, familial, susceptibility to, 5 (BROVCA5). Identifiers: MedGen C5830615, MONDO:0957530, OMIM 620442.
Breast and/or ovarian cancer. Identifiers: MedGen CN221562.
Familial cancer of breast. Also called: Hereditary breast cancer; hereditary breast carcinoma; BREAST CANCER, FAMILIAL. Identifiers: Orphanet 227535, MedGen C0346153, MONDO:0016419, OMIM 114480. Disease mechanism: loss of function.
Fanconi anemia complementation group N. Also called: PALB2-Related Fanconi Anemia. Identifiers: Orphanet 84, MedGen C1835817, MONDO:0012565, OMIM 610832. Disease mechanism: loss of function.
Pancreatic cancer, susceptibility to, 3. Identifiers: Orphanet 1333, MedGen C3150547, MONDO:0013236, OMIM 613348.
Hereditary cancer-predisposing syndrome. Also called: Tumor predisposition; Hereditary neoplastic syndrome; Neoplastic Syndromes, Hereditary; Hereditary Cancer Syndrome. Identifiers: Orphanet 140162, MedGen C0027672, MeSH D009386, MONDO:0015356.

Allele frequency attached by ClinVar (database versions not stated): ESP Exome Variant Server 0.00015; 1000 Genomes Project 30x 0.00016; 1000 Genomes Project 0.00020; gnomAD exomes 0.00028; ExAC 0.00029; gnomAD 0.00033 and 0.00035; TOPMed 0.00037.
gnomAD v4.1: 904 of 1,614,134 alleles (0.056%); highest among the groups gnomAD compares: Non-Finnish European, 0.072%; no homozygotes.

Submissions 1 to 23 of 28:

Labcorp Genetics (formerly Invitae), Labcorp
Classification: Benign for Familial cancer of breast. Last evaluated: 2026-01-19. Review status: criteria provided, single submitter. Criteria: Invitae Variant Classification Sherloc (09022015). Collection method: clinical testing. Allele origin: germline.

ARUP Laboratories, Molecular Genetics and Genomics, ARUP Laboratories
Classification: Likely benign. Last evaluated: 2025-05-29. Review status: criteria provided, single submitter. Criteria: ARUP Molecular Germline Variant Investigation Process 2024. Collection method: clinical testing. Allele origin: germline.

Quest Diagnostics Nichols Institute San Juan Capistrano
Classification: Benign. Last evaluated: 2025-04-10. Review status: criteria provided, single submitter. Criteria: Quest Diagnostics criteria. Collection method: clinical testing. Allele origin: unknown.

Center for Genomic Medicine, Rigshospitalet, Copenhagen University Hospital
Classification: Likely benign. Last evaluated: 2025-03-04. Review status: criteria provided, single submitter. Criteria: ACMG Guidelines, 2015. Collection method: clinical testing. Allele origin: germline.

KCCC/NGS Laboratory, Kuwait Cancer Control Center
Classification: Benign for Breast-ovarian cancer, familial, susceptibility to, 5. Last evaluated: 2025-02-01. Review status: criteria provided, single submitter. Criteria: ACMG Guidelines, 2015. Collection method: clinical testing. Allele origin: germline. Affected: no.

Blueprint Genetics
Classification: Likely benign. Last evaluated: 2024-11-18. Review status: criteria provided, single submitter. Criteria: ACMG Guidelines, 2015. Collection method: clinical testing. Allele origin: germline.

CeGaT Center for Human Genetics Tuebingen
Classification: Likely benign. Last evaluated: 2024-07-01. Review status: criteria provided, single submitter. Criteria: CeGaT Center For Human Genetics Tuebingen Variant Classification Criteria Version 2. Collection method: clinical testing. Allele origin: germline. Affected: yes. Observed: 3 variant alleles.
Comment: PALB2: BP4, BP7

Myriad Genetics, Inc.
Classification: Benign for Familial cancer of breast. Last evaluated: 2023-04-03. Review status: criteria provided, single submitter. Criteria: Myriad Autosomal Dominant, Autosomal Recessive and X-Linked Classification Criteria (2023). Collection method: clinical testing. Allele origin: unknown.
Comment: This variant is considered benign. This variant is a silent/synonymous amino acid change and it is not expected to impact splicing.

CHEO Genetics Diagnostic Laboratory, Children's Hospital of Eastern Ontario
Classification: Likely benign for Breast and/or ovarian cancer. Last evaluated: 2023-02-08. Review status: criteria provided, single submitter. Criteria: ACMG Guidelines, 2015. Collection method: clinical testing. Allele origin: germline.

Fulgent Genetics
Classification: Likely benign for Familial cancer of breast; Fanconi anemia complementation group N; Pancreatic cancer, susceptibility to, 3. Last evaluated: 2022-03-31. Review status: criteria provided, single submitter. Criteria: ACMG Guidelines, 2015. Collection method: clinical testing. Allele origin: unknown.

Sema4
Classification: Likely benign for Hereditary cancer-predisposing syndrome. Last evaluated: 2020-11-19. Review status: criteria provided, single submitter. Criteria: Sema4 Curation Guidelines. Collection method: curation. Allele origin: germline.

Genetics and Molecular Pathology, SA Pathology
Classification: Likely benign for Familial cancer of breast. Last evaluated: 2020-04-27. Review status: criteria provided, single submitter. Criteria: ACMG Guidelines, 2015. Collection method: clinical testing. Allele origin: germline. Inheritance: Autosomal dominant inheritance. Affected: yes.
Comment: The PALB2 c.1470C>T variant is classified as Likely Benign (BS1, BP6, BP7)

Genetic Services Laboratory, University of Chicago
Classification: Likely benign. Last evaluated: 2019-09-24. Review status: criteria provided, single submitter. Criteria: ACMG Guidelines, 2015. Collection method: clinical testing. Allele origin: germline. Affected: no.

Mendelics
Classification: Likely benign for Familial cancer of breast. Last evaluated: 2019-05-28. Review status: criteria provided, single submitter. Criteria: Mendelics Assertion Criteria 2017. Collection method: clinical testing. Allele origin: unknown.

Illumina Laboratory Services, Illumina
Classification: Likely benign for Fanconi anemia complementation group N. Last evaluated: 2017-04-27. Review status: criteria provided, single submitter. Criteria: ICSL Variant Classification Criteria 13 December 2019. Collection method: clinical testing. Allele origin: germline.
Comment: This variant was observed as part of a predisposition screen in an ostensibly healthy population. A literature search was performed for the gene, cDNA change, and amino acid change (where applicable). No publications were found based on this search. Allele frequency data from public databases allowed determination this variant is unlikely to cause disease. Therefore, this variant is classified as likely benign.

Women's Health and Genetics/Laboratory Corporation of America, LabCorp
Classification: Benign. Last evaluated: 2016-12-22. Review status: criteria provided, single submitter. Criteria: LabCorp Variant Classification Summary - May 2015. Collection method: clinical testing. Allele origin: germline.
Comment: Variant summary: The PALB2 c.1470C>T (p.Pro490Pro) variant involves the alteration of a non-conserved nucleotide, resulting in a synonymous change. One in silico tool predicts a benign outcome for this variant. 5/5 splice prediction tools predict no significant impact on normal splicing. ESE finder predicts that this variant may affect ESE sites. However, these predictions have yet to be confirmed by functional studies. This variant was found in 40/128736 control chromosomes, predominantly observed in the European (Non-Finnish) subpopulation at a frequency of 0.0004196 (28/66726). This frequency is about 3 times the estimated maximal expected allele frequency of a pathogenic PALB2 variant (0.0001563), suggesting this is likely a benign polymorphism found primarily in the populations of European (Non-Finnish) origin. This variant has been reported in multiple affected individuals without strong evidence for causality. In addition, multiple clinical diagnostic laboratories/reputable databases classified this variant as benign/likely benign. Taken together, this variant is classified as benign.

Cancer Genetics Laboratory, Peter MacCallum Cancer Centre
Classification: Likely benign for Familial cancer of breast. Last evaluated: 2015-06-01. Review status: criteria provided, single submitter. Criteria: Thompson et al. (Breast Cancer Res. 2015). Collection method: case-control. Allele origin: germline. Affected: yes and no. Observed: 3 variant alleles, 3 heterozygotes.

Color Diagnostics, LLC DBA Color Health
Classification: Likely benign for Hereditary cancer-predisposing syndrome. Last evaluated: 2015-04-02. Review status: criteria provided, single submitter. Criteria: ACMG Guidelines, 2015. Collection method: clinical testing. Allele origin: germline.

Ambry Genetics
Classification: Likely benign for Hereditary cancer-predisposing syndrome. Last evaluated: 2014-08-01. Review status: criteria provided, single submitter. Criteria: Ambry Variant Classification Scheme 2023. Collection method: clinical testing. Allele origin: germline.

GeneDx
Classification: Benign. Last evaluated: 2014-02-28. Review status: criteria provided, single submitter. Criteria: GeneDx Variant Classification (06012015). Collection method: clinical testing. Allele origin: germline. Affected: yes.
Comment: This variant is considered likely benign or benign based on one or more of the following criteria: it is a conservative change, it occurs at a poorly conserved position in the protein, it is predicted to be benign by multiple in silico algorithms, and/or has population frequency not consistent with disease.

Leiden Open Variation Database
Classification: Benign for Familial cancer of breast. Last evaluated: 2019-05-13. Review status: no assertion criteria provided. Collection method: curation. Allele origin: germline. Affected: yes. Not counted in ClinVar's aggregate classification.
Comment: Curators: Marc Tischkowitz, Arleen D. Auerbach. Submitter to LOVD: Marc Tischkowitz.

Counsyl
Classification: Likely benign for Familial cancer of breast. Last evaluated: 2018-04-03. Review status: no assertion criteria provided. Collection method: clinical testing. Allele origin: unknown. Not counted in ClinVar's aggregate classification.

True Health Diagnostics
Classification: Likely benign for Hereditary cancer-predisposing syndrome. Last evaluated: 2017-08-14. Review status: no assertion criteria provided. Collection method: clinical testing. Allele origin: germline. Not counted in ClinVar's aggregate classification.